The following is an entry in ClinVar:

ClinVar aggregate classification (germline): Pathogenic/Likely pathogenic. Review status: criteria provided, multiple submitters, no conflicts (2 of 4 stars). 5 submissions from 5 submitters: Pathogenic (3); Likely pathogenic (1). 1 of the submissions does not count toward it. Last evaluated 2025-12-29.

Conditions:
Adenine phosphoribosyltransferase deficiency (APRTD). Also called: APRT DEFICIENCY; NEPHROLITHIASIS, DHA; Urolithiasis, dha; 2,8-dihydroxyadenine urolithiasis. Identifiers: Orphanet 976, MedGen C0268120, MONDO:0013869, OMIM 614723.

Submissions (5):

Labcorp Genetics (formerly Invitae), Labcorp
Classification: Pathogenic. Last evaluated: 2025-12-29. Review status: criteria provided, single submitter. Criteria: Invitae Variant Classification Sherloc (09022015). Collection method: clinical testing. Allele origin: germline.
Comment: This sequence change creates a premature translational stop signal (p.Thr96Serfs*13) in the APRT gene. It is expected to result in an absent or disrupted protein product. Loss-of-function variants in APRT are known to be pathogenic (PMID: 7685481, 20150536, 28717278). This variant is present in population databases (no rsID available, gnomAD 0.003%). This premature translational stop signal has been observed in individual(s) with clinical features of adenine phosphoribosyltransferase deficiency (PMID: 1781410). This variant is also known as frameshift after Pro95. ClinVar contains an entry for this variant (Variation ID: 988052). For these reasons, this variant has been classified as Pathogenic.

Fulgent Genetics
Classification: Pathogenic for Adenine phosphoribosyltransferase deficiency. Last evaluated: 2024-05-23. Review status: criteria provided, single submitter. Criteria: ACMG Guidelines, 2015. Collection method: clinical testing. Allele origin: germline.

Department of Pathology and Laboratory Medicine, Sinai Health System
Classification: Likely pathogenic for adenine phosphoribosyltransferase deficiency. Last evaluated: 2023-07-24. Review status: criteria provided, single submitter. Criteria: ACMG Guidelines, 2015. Collection method: research. Allele origin: germline.

Clinical Genetics Service, Universitary Hospital 12 de Octubre
Classification: Pathogenic for Adenine phosphoribosyltransferase deficiency. Review status: criteria provided, single submitter. Criteria: ACMG Guidelines, 2015. Collection method: clinical testing. Allele origin: germline. Affected: yes.

APRT Deficiency Research Program of the Rare Kidney Stone Consortium, Landspitali, National University Hospital of Iceland
Classification: Pathogenic for Adenine phosphoribosyltransferase deficiency. Last evaluated: 2020-09-01. Review status: no assertion criteria provided. Collection method: literature only. Allele origin: germline. Affected: yes. Not counted in ClinVar's aggregate classification.

Literature cited by the submitters: PubMed 7685481 (cited by Labcorp Genetics (formerly Invitae), Labcorp); PubMed 20150536 (cited by Labcorp Genetics (formerly Invitae), Labcorp and APRT Deficiency Research Program of the Rare Kidney Stone Consortium, Landspitali, National University Hospital of Iceland); PubMed 28717278 (cited by Labcorp Genetics (formerly Invitae), Labcorp); PubMed 1781410 (cited by Labcorp Genetics (formerly Invitae), Labcorp).

NM_000485.3(APRT):c.286_287del (p.Thr96fs)

Gene: APRT (adenine phosphoribosyltransferase; minus strand). Cytogenetic location: 16q24.3.
Variant type: Deletion.
Coding change: c.286_287del on transcript NM_000485.3 (MANE Select); coding-DNA positions 286 to 287, 2 bases deleted (AC; older notation c.286_287delAC).
Protein change: p.Thr96fs; shifts the reading frame from threonine 96.
Molecular consequence: frameshift variant.
Genome position (GRCh38, 1-based): chr16:88,810,457-88,810,458, GT deleted on the plus strand (AC on the coding strand, the reverse complement: APRT is on the minus strand); deleting any 2 consecutive bases within chr16:88,810,457-88,810,459 gives the same sequence; the c. name uses the placement nearest the transcript's 3' end. VCF-style (leftmost placement, unchanged base first): chr16-88810456-AGT-A. GRCh37 (hg19) VCF-style: chr16-88876864-AGT-A.
Other names: c.286_287del, p.Thr96fs (NM_001030018.2); short protein forms T96fs.
Identifiers: ClinVar variation 988052 (VCV000988052.9), dbSNP rs1449730265, ClinGen allele CA624209315.
Genomic context (GRCh38, chr16:88,810,456, plus strand): 5'-TTCCTCTGGCCACCCCAGCCCTCTTACCTTCCCGTACTCCAGGGAATAGGAGGCCCACAG[AGT>A]GGGGCCTGGCAGCTTCCCCCGCTTTCGGATGAGCACGCAGCCCAGTCCAAGCTCCTGGGC-3'